The following is an entry in ClinVar:

NM_001374736.1(DST):c.16054G>A (p.Val5352Ile)

Gene: DST (dystonin; minus strand). Cytogenetic location: 6p12.1.
Variant type: single nucleotide variant.
Coding change: c.16054G>A on transcript NM_001374736.1 (MANE Select); coding-DNA position 16054, G replaced by A.
Protein change: p.Val5352Ile; replaces valine 5352 with isoleucine.
Molecular consequence: missense variant.
Genome position (GRCh38, 1-based): chr6:56,552,738, C>T on the plus strand (G>A on the coding strand, the complement: DST is on the minus strand). VCF-style: chr6-56552738-C-T. GRCh37 (hg19) VCF-style: chr6-56417536-C-T.
Other names: c.9697G>A, p.Val3233Ile (NM_001144769.5); c.9283G>A, p.Val3095Ile (NM_001144770.2); c.16054G>A, p.Val5352Ile (NM_001374722.1); c.15421G>A, p.Val5141Ile (NM_001374729.1); c.9163G>A, p.Val3055Ile (NM_001374730.1, NM_001386100.1, NM_183380.4); c.16081G>A, p.Val5361Ile (NM_001374734.1); c.8185G>A, p.Val2729Ile (NM_015548.5); short protein forms V3233I, V5352I, V2729I, V3095I, V3055I, V5141I, V5361I.
Identifiers: ClinVar variation 2102834 (VCV002102834.2), dbSNP rs2097343750, ClinGen allele CA364514475.

ClinVar aggregate classification (germline): Uncertain significance (1 of 4 stars; one submission).

Conditions:
Hereditary sensory and autonomic neuropathy type 6. Also called: HSAN VI; Neuropathy, hereditary sensory and autonomic, type VI. Identifiers: Orphanet 314381, MedGen C3539003, MONDO:0013839, OMIM 614653.
Epidermolysis bullosa simplex 3, localized or generalized intermediate, with BP230 deficiency (EBS3). Also called: Epidermolysis bullosa simplex due to BP230 deficiency; Epidermolysis bullosa simplex, autosomal recessive 2. Identifiers: Orphanet 412181, MedGen C3809470, MONDO:0014180, OMIM 615425.

Allele frequency attached by ClinVar (database versions not stated): gnomAD exomes below 0.00001; TOPMed 0.00001.
gnomAD v4.1: 2 of 1,611,720 alleles (0.00012%); highest among the groups gnomAD compares: Non-Finnish European, 0.00017%; no homozygotes.

Submission:

Labcorp Genetics (formerly Invitae), Labcorp
Classification: Uncertain significance for Epidermolysis bullosa simplex 3, localized or generalized intermediate, with BP230 deficiency; Hereditary sensory and autonomic neuropathy type 6. Last evaluated: 2022-02-24. Review status: criteria provided, single submitter. Criteria: Invitae Variant Classification Sherloc (09022015). Collection method: clinical testing. Allele origin: germline.
Comment: This variant is not present in population databases (gnomAD no frequency). This sequence change replaces valine, which is neutral and non-polar, with isoleucine, which is neutral and non-polar, at codon 2729 of the DST protein (p.Val2729Ile). The DST gene has multiple clinically relevant transcripts. This variant occurs in alternate transcript NM_015548.4, and corresponds to NM_001723.5:c.*62779G>A in the primary transcript. This variant has not been reported in the literature in individuals affected with DST-related conditions. In summary, the available evidence is currently insufficient to determine the role of this variant in disease. Therefore, it has been classified as a Variant of Uncertain Significance. Experimental studies and prediction algorithms are not available or were not evaluated, and the functional significance of this variant is currently unknown.